The following is an entry in ClinVar:

ClinVar aggregate classification (germline): Benign/Likely benign. Review status: criteria provided, multiple submitters, no conflicts (2 of 4 stars). 4 submissions from 4 submitters: Benign (1); Likely benign (3). Last evaluated 2026-02-02.

Conditions:
Familial cancer of breast. Also called: BREAST CANCER, FAMILIAL; Hereditary breast cancer; hereditary breast carcinoma. Identifiers: Orphanet 227535, MedGen C0346153, MONDO:0016419, OMIM 114480. Disease mechanism: loss of function.
Hereditary cancer-predisposing syndrome. Also called: Hereditary neoplastic syndrome; Neoplastic Syndromes, Hereditary; Hereditary Cancer Syndrome; Tumor predisposition. Identifiers: Orphanet 140162, MedGen C0027672, MeSH D009386, MONDO:0015356.

Allele frequency attached by ClinVar (database versions not stated): TOPMed 0.00001.

Submissions (4):

Labcorp Genetics (formerly Invitae), Labcorp
Classification: Likely benign for Familial cancer of breast. Last evaluated: 2026-02-02. Review status: criteria provided, single submitter. Criteria: Invitae Variant Classification Sherloc (09022015). Collection method: clinical testing. Allele origin: germline.

Myriad Genetics, Inc.
Classification: Benign for Familial cancer of breast. Last evaluated: 2024-10-07. Review status: criteria provided, single submitter. Criteria: Myriad Autosomal Dominant, Autosomal Recessive and X-Linked Classification Criteria (2023). Collection method: clinical testing. Allele origin: unknown.
Comment: This variant is considered benign. This variant is a silent/synonymous amino acid change and it is not expected to impact splicing.

Color Diagnostics, LLC DBA Color Health
Classification: Likely benign for Hereditary cancer-predisposing syndrome. Last evaluated: 2024-05-31. Review status: criteria provided, single submitter. Criteria: ACMG Guidelines, 2015. Collection method: clinical testing. Allele origin: germline.

Ambry Genetics
Classification: Likely benign for Hereditary cancer-predisposing syndrome. Last evaluated: 2015-12-04. Review status: criteria provided, single submitter. Criteria: Ambry Variant Classification Scheme 2023. Collection method: clinical testing. Allele origin: germline.

NM_007194.4(CHEK2):c.1167C>A (p.Thr389=)

Gene: CHEK2 (checkpoint kinase 2; minus strand). Cytogenetic location: 22q12.1.
Variant type: single nucleotide variant.
Coding change: c.1167C>A on transcript NM_007194.4 (MANE Select); coding-DNA position 1167, C replaced by A.
Protein change: p.Thr389=; no amino-acid change (threonine 389 retained).
Molecular consequence: synonymous variant.
Genome position (GRCh38, 1-based): chr22:28,695,802, G>T on the plus strand (C>A on the coding strand, the complement: CHEK2 is on the minus strand). VCF-style: chr22-28695802-G-T. GRCh37 (hg19) VCF-style: chr22-29091790-G-T.
Other names: c.504C>A, p.Thr168= (NM_001257387.3); c.966C>A, p.Thr322= (NM_001349956.3); c.1080C>A, p.Thr360= (NM_145862.3); c.1296C>A, p.Thr432= (NM_001005735.3).
Identifiers: ClinVar variation 530245 (VCV000530245.15), dbSNP rs1314236188, ClinGen allele CA513944913.